The following is an entry in ClinVar:

ClinVar aggregate classification (germline): Pathogenic (1 of 4 stars; one submission).

Conditions:
Ataxia-telangiectasia syndrome (AT). Also called: AT, COMPLEMENTATION GROUP C; Ataxia-telangiectasia, complementation group D; Cerebello-oculocutaneous telangiectasia; Immunodeficiency with ataxia telangiectasia; LOUIS-BAR SYNDROME; Ataxia telangiectasia (A-T). Identifiers: Orphanet 100, MedGen C0004135, MONDO:0008840, OMIM 208900.

Submission:

Labcorp Genetics (formerly Invitae), Labcorp
Classification: Pathogenic for Ataxia-telangiectasia syndrome. Last evaluated: 2025-04-08. Review status: criteria provided, single submitter. Criteria: Invitae Variant Classification Sherloc (09022015). Collection method: clinical testing. Allele origin: germline.
Comment: This sequence change creates a premature translational stop signal (p.Gln1636Argfs*2) in the ATM gene. It is expected to result in an absent or disrupted protein product. Loss-of-function variants in ATM are known to be pathogenic (PMID: 23807571, 25614872). This variant is not present in population databases (gnomAD no frequency). This variant has not been reported in the literature in individuals affected with ATM-related conditions. Algorithms developed to predict the effect of sequence changes on RNA splicing suggest that this variant may disrupt the consensus splice site. For these reasons, this variant has been classified as Pathogenic.

Literature cited by the submitters: PubMed 23807571; PubMed 25614872.

NM_000051.4(ATM):c.4907_4908del (p.Gln1636fs)

Gene: ATM (ATM serine/threonine kinase; plus strand). Cytogenetic location: 11q22.3.
Variant type: Deletion.
Coding change: c.4907_4908del on transcript NM_000051.4 (MANE Select); coding-DNA positions 4907 to 4908, 2 bases deleted (AG; older notation c.4907_4908delAG).
Protein change: p.Gln1636fs; shifts the reading frame from glutamine 1636.
Molecular consequence: frameshift variant.
Genome position (GRCh38, 1-based): chr11:108,295,057-108,295,058, AG deleted. VCF-style (leftmost placement, unchanged base first): chr11-108295056-CAG-C. GRCh37 (hg19) VCF-style: chr11-108165783-CAG-C.
Other names: c.4907_4908del, p.Gln1636fs (NM_001351834.2); short protein forms Q1636fs.
Identifiers: ClinVar variation 4715636 (VCV004715636.1).